The following is an entry in ClinVar:

NM_000093.5(COL5A1):c.2798A>G (p.Lys933Arg)

Gene: COL5A1 (collagen type V alpha 1 chain; plus strand). Cytogenetic location: 9q34.3.
Variant type: single nucleotide variant.
Coding change: c.2798A>G on transcript NM_000093.5 (MANE Select); coding-DNA position 2798, A replaced by G.
Protein change: p.Lys933Arg; replaces lysine 933 with arginine.
Molecular consequence: missense variant.
Genome position (GRCh38, 1-based): chr9:134,795,314, A>G. VCF-style: chr9-134795314-A-G. GRCh37 (hg19) VCF-style: chr9-137687160-A-G.
Other names: c.2798A>G, p.Lys933Arg (NM_001278074.1); c.2798A>G (NM_000093.3); short protein forms K933R.
Identifiers: ClinVar variation 2183853 (VCV002183853.5), dbSNP rs1332476232, ClinGen allele CA375456717.

ClinVar aggregate classification (germline): Uncertain significance. Review status: criteria provided, multiple submitters, no conflicts (2 of 4 stars). 2 submissions from 2 submitters: Uncertain significance (2). Last evaluated 2026-03-12.

Conditions:
Familial thoracic aortic aneurysm and aortic dissection (TAAD). Also called: Thoracic aortic aneurysms and dissections. Identifiers: Orphanet 91387, MedGen C4707243, MONDO:0019625.
Ehlers-Danlos syndrome, classic type, 1 (EDSCL1). Also called: Ehlers-Danlos Syndrome, Classic Type, COL5A1-Related; EHLERS-DANLOS SYNDROME, GRAVIS TYPE; EHLERS-DANLOS SYNDROME, SEVERE CLASSIC TYPE; Ehlers-Danlos syndrome, type 1; EDS I. Identifiers: MedGen C0268335, MONDO:0019567, OMIM 130000.

Allele frequency attached by ClinVar (database versions not stated): gnomAD 0.00001.
gnomAD v4.1: 1 of 1,613,598 alleles (0.000062%); highest among the groups gnomAD compares: South Asian, 0.0011%; no homozygotes.

Submissions (2):

Ambry Genetics
Classification: Uncertain significance for Familial thoracic aortic aneurysm and aortic dissection. Last evaluated: 2026-03-12. Review status: criteria provided, single submitter. Criteria: Ambry Variant Classification Scheme 2023. Collection method: clinical testing. Allele origin: germline.
Comment: The p.K933R variant (also known as c.2798A>G), located in coding exon 34 of the COL5A1 gene, results from an A to G substitution at nucleotide position 2798. The lysine at codon 933 is replaced by arginine, an amino acid with highly similar properties. This amino acid position is conserved. In addition, the in silico prediction for this alteration is inconclusive. Based on the available evidence, the clinical significance of this variant remains unclear.

Labcorp Genetics (formerly Invitae), Labcorp
Classification: Uncertain significance for Ehlers-Danlos syndrome, classic type, 1. Last evaluated: 2025-01-01. Review status: criteria provided, single submitter. Criteria: Invitae Variant Classification Sherloc (09022015). Collection method: clinical testing. Allele origin: germline.
Comment: This sequence change replaces lysine, which is basic and polar, with arginine, which is basic and polar, at codon 933 of the COL5A1 protein (p.Lys933Arg). This variant is present in population databases (no rsID available, gnomAD 0.0009%). This variant has not been reported in the literature in individuals affected with COL5A1-related conditions. ClinVar contains an entry for this variant (Variation ID: 2183853). Experimental studies and prediction algorithms are not available or were not evaluated, and the functional significance of this variant is currently unknown. In summary, the available evidence is currently insufficient to determine the role of this variant in disease. Therefore, it has been classified as a Variant of Uncertain Significance.